The following is an entry in ClinVar:

NM_001008212.2(OPTN):c.14C>G (p.Pro5Arg)

Genes: OPTN (optineurin; plus strand), LOC108903148 (10p13 OPTN distal Alu-mediated recombination region; plus strand). Cytogenetic location: 10p13.
Variant type: single nucleotide variant.
Coding change: c.14C>G on transcript NM_001008212.2 (MANE Select); coding-DNA position 14, C replaced by G.
Protein change: p.Pro5Arg; replaces proline 5 with arginine.
Molecular consequence: missense variant.
Genome position (GRCh38, 1-based): chr10:13,109,136, C>G. VCF-style: chr10-13109136-C-G. GRCh37 (hg19) VCF-style: chr10-13151136-C-G.
Other names: c.14C>G, p.Pro5Arg (NM_001008211.1, NM_001008213.1, NM_021980.4); short protein forms P5R.
Identifiers: ClinVar variation 565324 (VCV000565324.9), dbSNP rs1564354765, ClinGen allele CA376026953.

ClinVar aggregate classification (germline): Uncertain significance (1 of 4 stars; one submission).

Conditions:
Primary open angle glaucoma (POAG). Also called: OPTN-related open angle glaucoma. Identifiers: MedGen C0339573, MONDO:0100553, OMIM 137760.
Glaucoma 1, open angle, E. Identifiers: MedGen C1842026, MONDO:0007665.
Amyotrophic lateral sclerosis type 12 (ALS12). Also called: AMYOTROPHIC LATERAL SCLEROSIS 12 WITH OR WITHOUT FRONTOTEMPORAL DEMENTIA. Identifiers: Orphanet 803, MedGen C3150692, MONDO:0013264, OMIM 613435.

Allele frequency attached by ClinVar (database versions not stated): gnomAD exomes below 0.00001.
gnomAD v4.1: 2 of 1,614,066 alleles (0.00012%); highest among the groups gnomAD compares: Non-Finnish European, 0.00017%; no homozygotes.

Submission:

Labcorp Genetics (formerly Invitae), Labcorp
Classification: Uncertain significance for Primary open angle glaucoma; Glaucoma 1, open angle, E; Amyotrophic lateral sclerosis type 12. Last evaluated: 2018-01-02. Review status: criteria provided, single submitter. Criteria: Invitae Variant Classification Sherloc (09022015). Collection method: clinical testing. Allele origin: germline.
Comment: This sequence change replaces proline with arginine at codon 5 of the OPTN protein (p.Pro5Arg). The proline residue is highly conserved and there is a moderate physicochemical difference between proline and arginine. This variant is not present in population databases (ExAC no frequency). This variant has not been reported in the literature in individuals with OPTN-related disease. Algorithms developed to predict the effect of missense changes on protein structure and function do not agree on the potential impact of this missense change (SIFT: "Tolerated"; PolyPhen-2: "Probably Damaging"; Align-GVGD: "Class C0"). In summary, the available evidence is currently insufficient to determine the role of this variant in disease. Therefore, it has been classified as a Variant of Uncertain Significance.